The following is an entry in ClinVar:

ClinVar aggregate classification (somatic clinical impact): Tier I - Strong (1 of 4 stars; one submission).

Conditions:
Medulloblastoma non-WNT/non-SHH group 4. Identifiers: MedGen C4330666, MONDO:0956967.

Submission:

Institute for Genomic Medicine (IGM) Clinical Laboratory, Nationwide Children's Hospital
Classification: Tier I - Strong for Medulloblastoma non-WNT/non-SHH group 4. Assertion type: diagnostic. Clinical significance: supports diagnosis. Last evaluated: 2025-10-06. Review status: criteria provided, single submitter. Criteria: AMP/ASCO/CAP Guidelines, 2017. Collection method: clinical testing. Allele origin: somatic. Affected: yes.
Comment: Variant has Tier I (strong) clinical significance as a diagnostic inclusion criterion in medulloblastoma non-WNT/non-SHH group 4, based on the following evidence: 1) Appears in one or more well-established professional guidelines (e.g., World Health Organization [WHO]; National Comprehensive Cancer Network [NCCN]) as providing diagnostic, prognostic, or therapeutic information. 2) Information in the literature supports potential biologic effect of variant (PMIDs: 33253789, 23184418, 28726821). 3) Diagnostic for a specific tumor type/classification based on well-powered studies with expert-level consensus (Evidence Level B; PMIDs: 23184418, 22722829, 22820256, 22832583).

Literature cited by the submitters: PubMed 33253789; PubMed 23184418; PubMed 28726821; PubMed 22722829; PubMed 22820256; PubMed 22832583.

NM_001291415.2(KDM6A):c.2679dup (p.Thr894fs)

Gene: KDM6A (lysine demethylase 6A; plus strand). Cytogenetic location: Xp11.3.
Variant type: Duplication.
Coding change: c.2679dup on transcript NM_001291415.2 (MANE Select); coding-DNA position 2679, one base duplicated (T; older notation c.2679dupT).
Protein change: p.Thr894fs; shifts the reading frame from threonine 894.
Molecular consequence: frameshift variant. On other transcripts: non-coding transcript variant (1).
Genome position (GRCh38, 1-based): chrX:45,070,178, T duplicated; the last of 2 consecutive T bases (chrX:45,070,177-45,070,178); duplicating either gives the same sequence. VCF-style (leftmost placement, unchanged base first): chrX-45070176-G-GT. GRCh37 (hg19) VCF-style: chrX-44929421-G-GT.
Other names: c.2421dup, p.Thr808fs (NM_001410742.1, NM_001419814.1); c.2679dup, p.Thr894fs (NM_001419809.1); c.2577dup, p.Thr860fs (NM_001419810.1, NM_001419813.1); c.2544dup, p.Thr849fs (NM_001419811.1, NM_001291416.2); c.2523dup, p.Thr842fs (NM_001419812.1, NM_021140.4); c.2286dup, p.Thr763fs (NM_001419815.1, NM_001291418.2); c.2388dup, p.Thr797fs (NM_001291417.2); c.1635dup, p.Thr546fs (NM_001291421.2); short protein forms T546fs, T763fs, T797fs, T808fs, T842fs, T849fs, T860fs, T894fs.
Identifiers: ClinVar variation 4530485 (VCV004530485.1).